The following is an entry in ClinVar:

NM_000388.4(CASR):c.15C>G (p.Ser5Arg)

Gene: CASR (calcium sensing receptor; plus strand). Cytogenetic location: 3q21.1.
Variant type: single nucleotide variant.
Coding change: c.15C>G on transcript NM_000388.4 (MANE Select); coding-DNA position 15, C replaced by G.
Protein change: p.Ser5Arg; replaces serine 5 with arginine.
Molecular consequence: missense variant.
Genome position (GRCh38, 1-based): chr3:122,254,204, C>G. VCF-style: chr3-122254204-C-G. GRCh37 (hg19) VCF-style: chr3-121973051-C-G.
Other names: c.15C>G, p.Ser5Arg (NM_001178065.2); short protein forms S5R.
Identifiers: ClinVar variation 1776134 (VCV001776134.2), dbSNP rs2473204932, ClinGen allele CA354361946.

ClinVar aggregate classification (germline): Uncertain significance (1 of 4 stars; one submission).

Conditions:
Nephrolithiasis/nephrocalcinosis. Identifiers: MedGen CN580796.

Submission:

Ambry Genetics
Classification: Uncertain significance for Nephrolithiasis/nephrocalcinosis. Last evaluated: 2022-06-06. Review status: criteria provided, single submitter. Criteria: Ambry Variant Classification Scheme 2023. Collection method: clinical testing. Allele origin: germline.
Comment: The p.S5R variant (also known as c.15C>G), located in coding exon 1 of the CASR gene, results from a C to G substitution at nucleotide position 15. The serine at codon 5 is replaced by arginine, an amino acid with dissimilar properties. This amino acid position is conserved. In addition, this alteration is predicted to be tolerated by in silico analysis. Since supporting evidence is limited at this time, the clinical significance of this alteration remains unclear.